The following is an entry in ClinVar:

ClinVar aggregate classification (germline): Uncertain significance (1 of 4 stars; one submission).

Conditions:
Isolated microphthalmia 2. Identifiers: Orphanet 2542, MedGen C1864720, MONDO:0012409, OMIM 610093.

Submission:

Labcorp Genetics (formerly Invitae), Labcorp
Classification: Uncertain significance for Isolated microphthalmia 2. Last evaluated: 2024-04-05. Review status: criteria provided, single submitter. Criteria: Invitae Variant Classification Sherloc (09022015). Collection method: clinical testing. Allele origin: germline.
Comment: This sequence change replaces arginine, which is basic and polar, with glycine, which is neutral and non-polar, at codon 351 of the VSX2 protein (p.Arg351Gly). This variant is not present in population databases (gnomAD no frequency). This variant has not been reported in the literature in individuals affected with VSX2-related conditions. ClinVar contains an entry for this variant (Variation ID: 2042932). An algorithm developed to predict the effect of missense changes on protein structure and function (PolyPhen-2) suggests that this variant¬†is likely to be tolerated. In summary, the available evidence is currently insufficient to determine the role of this variant in disease. Therefore, it has been classified as a Variant of Uncertain Significance.

NM_182894.3(VSX2):c.1051A>G (p.Arg351Gly)

Gene: VSX2 (visual system homeobox 2; plus strand). Cytogenetic location: 14q24.3.
Variant type: single nucleotide variant.
Coding change: c.1051A>G on transcript NM_182894.3 (MANE Select); coding-DNA position 1051, A replaced by G.
Protein change: p.Arg351Gly; replaces arginine 351 with glycine.
Molecular consequence: missense variant.
Genome position (GRCh38, 1-based): chr14:74,260,884, A>G. VCF-style: chr14-74260884-A-G. GRCh37 (hg19) VCF-style: chr14-74727587-A-G.
Other names: short protein forms R351G.
Identifiers: ClinVar variation 2042932 (VCV002042932.3), dbSNP rs2504974681, ClinGen allele CA390371300.